The following is an entry in ClinVar:

ClinVar aggregate classification (germline): Likely pathogenic. Review status: criteria provided, single submitter (1 of 4 stars). 2 submissions from 2 submitters: Likely pathogenic (1). 1 of the submissions does not count toward it. Last evaluated 2026-04-24.

Conditions:
Usher syndrome type 1B (USH1B). Also called: Usher syndrome type IB. Identifiers: MedGen C1848638, MONDO:0700087.

gnomAD v4.1: 2 of 1,574,006 alleles (0.00013%); highest among the groups gnomAD compares: South Asian, 0.0023%; no homozygotes.

Submissions (2):

GeneDx
Classification: Likely pathogenic. Last evaluated: 2026-04-24. Review status: criteria provided, single submitter. Criteria: GeneDx Variant Classification Process June 2021. Collection method: clinical testing. Allele origin: germline.
Comment: Not observed at significant frequency in large population cohorts (gnomAD); In silico analysis supports that this missense variant has a deleterious effect on protein structure/function; Has not been previously published as pathogenic or benign to our knowledge

Natera, Inc.
Classification: Uncertain significance for Usher syndrome type 1B. Last evaluated: 2020-04-16. Review status: no assertion criteria provided. Collection method: clinical testing. Allele origin: germline. Not counted in ClinVar's aggregate classification.

NM_000260.4(MYO7A):c.1175T>C (p.Leu392Pro)

Gene: MYO7A (myosin VIIA; plus strand). Cytogenetic location: 11q13.5.
Variant type: single nucleotide variant.
Coding change: c.1175T>C on transcript NM_000260.4 (MANE Select); coding-DNA position 1175, T replaced by C.
Protein change: p.Leu392Pro; replaces leucine 392 with proline.
Molecular consequence: missense variant.
Genome position (GRCh38, 1-based): chr11:77,160,257, T>C. VCF-style: chr11-77160257-T-C. GRCh37 (hg19) VCF-style: chr11-76871303-T-C.
Other names: c.1175T>C, p.Leu392Pro (NM_001127180.2); c.1142T>C, p.Leu381Pro (NM_001369365.1); c.1175T>C (NM_000260.3); short protein forms L381P, L392P.
Identifiers: ClinVar variation 990563 (VCV000990563.2), dbSNP rs1226538179, ClinGen allele CA381934600.